The following is an entry in ClinVar:

ClinVar aggregate classification (germline): Likely benign (0 of 4 stars; one submission).

Conditions:
CREBBP-related disorder. Also called: CREBBP-related condition; CREBBP-related disorders.

Allele frequency attached by ClinVar (database versions not stated): gnomAD 0.00001; TOPMed 0.00001; gnomAD exomes 0.00002; ExAC 0.00006.
gnomAD v4.1: 33 of 1,614,200 alleles (0.002%); highest among the groups gnomAD compares: South Asian, 0.029%; no homozygotes.

Submission:

PreventionGenetics, part of Exact Sciences
Classification: Likely benign for CREBBP-related condition. Last evaluated: 2023-07-28. Review status: no assertion criteria provided. Collection method: clinical testing. Allele origin: germline.
Comment: This variant is classified as likely benign based on ACMG/AMP sequence variant interpretation guidelines (Richards et al. 2015 PMID: 25741868, with internal and published modifications).

NM_004380.3(CREBBP):c.2040G>A (p.Gly680=)

Gene: CREBBP (CREB binding lysine acetyltransferase; minus strand). Cytogenetic location: 16p13.3.
Variant type: single nucleotide variant.
Coding change: c.2040G>A on transcript NM_004380.3 (MANE Select); coding-DNA position 2040, G replaced by A.
Protein change: p.Gly680=; no amino-acid change (glycine 680 retained).
Molecular consequence: synonymous variant.
Genome position (GRCh38, 1-based): chr16:3,778,084, C>T on the plus strand (G>A on the coding strand, the complement: CREBBP is on the minus strand). VCF-style: chr16-3778084-C-T. GRCh37 (hg19) VCF-style: chr16-3828085-C-T.
Other names: c.1926G>A, p.Gly642= (NM_001079846.1).
Identifiers: ClinVar variation 3030183 (VCV003030183.2), dbSNP rs758618353, ClinGen allele CA7870294.